The following is an entry in ClinVar:

ClinVar aggregate classification (germline): Uncertain significance. Review status: criteria provided, single submitter (1 of 4 stars). 2 submissions from 2 submitters: Uncertain significance (1). 1 of the submissions does not count toward it. Last evaluated 2022-08-28.

Conditions:
Fanconi anemia (FA). Also called: Fanconi's anemia. Identifiers: Orphanet 84, MedGen C0015625, MeSH D005199, MONDO:0019391.

Allele frequency attached by ClinVar (database versions not stated): ExAC 0.00001; 1000 Genomes Project 30x 0.00016; 1000 Genomes Project 0.00020.
gnomAD v4.1: 2 of 1,613,896 alleles (0.00012%); highest among the groups gnomAD compares: East Asian, 0.0045%; no homozygotes.

Submissions (2):

Labcorp Genetics (formerly Invitae), Labcorp
Classification: Uncertain significance for Fanconi anemia. Last evaluated: 2022-08-28. Review status: criteria provided, single submitter. Criteria: Invitae Variant Classification Sherloc (09022015). Collection method: clinical testing. Allele origin: germline.
Comment: In summary, the available evidence is currently insufficient to determine the role of this variant in disease. Therefore, it has been classified as a Variant of Uncertain Significance. Advanced modeling of protein sequence and biophysical properties (such as structural, functional, and spatial information, amino acid conservation, physicochemical variation, residue mobility, and thermodynamic stability) performed at Invitae indicates that this missense variant is not expected to disrupt FANCA protein function. This variant has not been reported in the literature in individuals affected with FANCA-related conditions. This variant is present in population databases (rs193172749, gnomAD 0.006%). This sequence change replaces aspartic acid, which is acidic and polar, with alanine, which is neutral and non-polar, at codon 948 of the FANCA protein (p.Asp948Ala).

Natera, Inc.
Classification: Uncertain significance for Fanconi anemia. Last evaluated: 2025-01-13. Review status: no assertion criteria provided. Collection method: clinical testing. Allele origin: germline. Not counted in ClinVar's aggregate classification.

NM_000135.4(FANCA):c.2843A>C (p.Asp948Ala)

Gene: FANCA (FA complementation group A; minus strand). Cytogenetic location: 16q24.3.
Variant type: single nucleotide variant.
Coding change: c.2843A>C on transcript NM_000135.4 (MANE Select); coding-DNA position 2843, A replaced by C.
Protein change: p.Asp948Ala; replaces aspartic acid 948 with alanine.
Molecular consequence: missense variant.
Genome position (GRCh38, 1-based): chr16:89,761,958, T>G on the plus strand (A>C on the coding strand, the complement: FANCA is on the minus strand). VCF-style: chr16-89761958-T-G. GRCh37 (hg19) VCF-style: chr16-89828366-T-G.
Other names: c.2843A>C, p.Asp948Ala (NM_001286167.3); c.2843A>C (NM_000135.3); short protein forms D948A.
Identifiers: ClinVar variation 1718265 (VCV001718265.6), dbSNP rs193172749, ClinGen allele CA8251485.